The following is an entry in ClinVar:

ClinVar aggregate classification (germline): Likely benign. Review status: criteria provided, multiple submitters, no conflicts (2 of 4 stars). 2 submissions from 2 submitters: Likely benign (2). Last evaluated 2025-08-11.

Conditions:
POLD1-related polyposis and colorectal cancer syndrome (CRCS10). Also called: Colorectal cancer 10; COLORECTAL CANCER, SUSCEPTIBILITY TO, ON CHROMOSOME 19q; Colorectal cancer, susceptibility to, 10. Identifiers: Orphanet 220460, MedGen C2675481, MONDO:0012953, OMIM 612591.

Allele frequency attached by ClinVar (database versions not stated): gnomAD exomes below 0.00001.
gnomAD v4.1: 2 of 1,605,388 alleles (0.00012%); highest among the groups gnomAD compares: African/African-American, 0.0027%; no homozygotes.

Submissions (2):

Labcorp Genetics (formerly Invitae), Labcorp
Classification: Likely benign for POLD1-related polyposis and colorectal cancer syndrome. Last evaluated: 2025-08-11. Review status: criteria provided, single submitter. Criteria: Invitae Variant Classification Sherloc (09022015). Collection method: clinical testing. Allele origin: germline.

GeneDx
Classification: Likely benign. Last evaluated: 2017-08-30. Review status: criteria provided, single submitter. Criteria: GeneDx Variant Classification (06012015). Collection method: clinical testing. Allele origin: germline. Affected: yes.
Comment: This variant is considered likely benign or benign based on one or more of the following criteria: it is a conservative change, it occurs at a poorly conserved position in the protein, it is predicted to be benign by multiple in silico algorithms, and/or has population frequency not consistent with disease.

NM_002691.4(POLD1):c.2565-14C>G

Gene: POLD1 (DNA polymerase delta 1, catalytic subunit; plus strand). Cytogenetic location: 19q13.33.
Variant type: single nucleotide variant.
Coding change: c.2565-14C>G on transcript NM_002691.4 (MANE Select); 14 bases into the intron before coding-DNA position 2565, C replaced by G.
Molecular consequence: intron variant.
Genome position (GRCh38, 1-based): chr19:50,415,424, C>G. VCF-style: chr19-50415424-C-G. GRCh37 (hg19) VCF-style: chr19-50918681-C-G.
Other names: c.2565-14C>G (NM_001256849.1, LRG_785t1); c.2643-14C>G (NM_001308632.1, LRG_785t2).
Identifiers: ClinVar variation 511833 (VCV000511833.8), dbSNP rs1555792999, ClinGen allele CA658799270.